The following is an entry in ClinVar:

NM_000051.4(ATM):c.7065C>T (p.Val2355=)

Genes: ATM (ATM serine/threonine kinase; plus strand), C11orf65 (chromosome 11 open reading frame 65; minus strand). Cytogenetic location: 11q22.3.
Variant type: single nucleotide variant.
Coding change: c.7065C>T on transcript NM_000051.4 (MANE Select); coding-DNA position 7065, C replaced by T.
Protein change: p.Val2355=; no amino-acid change (valine 2355 retained).
Molecular consequence: synonymous variant. On other transcripts: intron variant (2).
Genome position (GRCh38, 1-based): chr11:108,327,734, C>T. VCF-style: chr11-108327734-C-T. GRCh37 (hg19) VCF-style: chr11-108198461-C-T.
Other names: c.*38+7486G>A (NM_001351110.2); c.7065C>T, p.Val2355= (NM_001351834.2); c.641-18663G>A (NM_001330368.2).
Identifiers: ClinVar variation 1103562 (VCV001103562.10), dbSNP rs2136378354, ClinGen allele CA476676502.

ClinVar aggregate classification (germline): Benign/Likely benign. Review status: criteria provided, multiple submitters, no conflicts (2 of 4 stars). 2 submissions from 2 submitters: Benign (1); Likely benign (1). Last evaluated 2024-06-12.

Conditions:
Ataxia-telangiectasia syndrome (AT). Also called: Ataxia telangiectasia (A-T); ATAXIA-TELANGIECTASIA, COMPLEMENTATION GROUP A; ATAXIA-TELANGIECTASIA, FRESNO VARIANT; Ataxia-telangiectasia; Ataxia-telangiectasia, complementation group E; LOUIS-BAR SYNDROME. Identifiers: Orphanet 100, MedGen C0004135, MONDO:0008840, OMIM 208900.
Familial cancer of breast. Also called: Hereditary breast cancer; hereditary breast carcinoma; BREAST CANCER, FAMILIAL. Identifiers: Orphanet 227535, MedGen C0346153, MONDO:0016419, OMIM 114480. Disease mechanism: loss of function.

Submissions (2):

Myriad Genetics, Inc.
Classification: Benign for Familial cancer of breast. Last evaluated: 2024-06-12. Review status: criteria provided, single submitter. Criteria: Myriad Autosomal Dominant, Autosomal Recessive and X-Linked Classification Criteria (2023). Collection method: clinical testing. Allele origin: unknown.
Comment: This variant is considered benign. This variant is a silent/synonymous amino acid change and it is not expected to impact splicing.

Labcorp Genetics (formerly Invitae), Labcorp
Classification: Likely benign for Ataxia-telangiectasia syndrome. Last evaluated: 2020-08-14. Review status: criteria provided, single submitter. Criteria: Invitae Variant Classification Sherloc (09022015). Collection method: clinical testing. Allele origin: germline.